The following is an entry in ClinVar:

NM_001347721.2(DYRK1A):c.475G>C (p.Gly159Arg)

Gene: DYRK1A (dual specificity tyrosine phosphorylation regulated kinase 1A; plus strand). Cytogenetic location: 21q22.13.
Variant type: single nucleotide variant.
Coding change: c.475G>C on transcript NM_001347721.2 (MANE Select); coding-DNA position 475, G replaced by C.
Protein change: p.Gly159Arg; replaces glycine 159 with arginine.
Molecular consequence: missense variant.
Genome position (GRCh38, 1-based): chr21:37,480,812, G>C. VCF-style: chr21-37480812-G-C. GRCh37 (hg19) VCF-style: chr21-38853114-G-C.
Other names: c.475G>C, p.Gly159Arg (NM_001347722.2, NM_130436.2); c.388G>C, p.Gly130Arg (NM_001347723.2); c.502G>C, p.Gly168Arg (NM_001396.5, NM_101395.2, NM_130438.2); short protein forms G130R, G159R, G168R.
Identifiers: ClinVar variation 2691880 (VCV002691880.3), dbSNP rs2517988225, ClinGen allele CA409944663.
Genomic context (GRCh38, chr21:37,480,812, plus strand): 5'-ATTGTAAAAAACGGAGAAAAGTGGATGGATCGTTACGAAATTGACTCCTTGATAGGCAAA[G>C]GTTCCTTTGGACAGGTAATTTAATGGAAAATGCTGAATTTCATTAGTTAGAAAGAACTTC-3'
Protein context (NP_001334650.1, residues 149-169): RYEIDSLIGK[Gly159Arg]SFGQVVKAYD

ClinVar aggregate classification (germline): Likely pathogenic (1 of 4 stars; one submission).

Conditions:
DYRK1A-related intellectual disability syndrome (MRD7). Also called: Intellectual developmental disorder, autosomal dominant 7; DYRK1A Syndrome. Identifiers: Orphanet 464306, MedGen C5568143, MONDO:0013578, OMIM 614104.

Submission:

Institute of Human Genetics, University of Leipzig Medical Center
Classification: Likely pathogenic for DYRK1A-related intellectual disability syndrome. Last evaluated: 2023-12-07. Review status: criteria provided, single submitter. Criteria: ACMG Guidelines, 2015. Collection method: clinical testing. Allele origin: de novo. Inheritance: Autosomal dominant inheritance. Affected: yes.
Comment: Criteria applied: PM5_STR, PM2_SUP, PP2, PP3, PS2_MOD